The following is an entry in ClinVar:

NM_001113378.2(FANCI):c.3667C>G (p.Leu1223Val)

Gene: FANCI (FA complementation group I; plus strand). Cytogenetic location: 15q26.1.
Variant type: single nucleotide variant.
Coding change: c.3667C>G on transcript NM_001113378.2 (MANE Select); coding-DNA position 3667, C replaced by G.
Protein change: p.Leu1223Val; replaces leucine 1223 with valine.
Molecular consequence: missense variant.
Genome position (GRCh38, 1-based): chr15:89,312,919, C>G. VCF-style: chr15-89312919-C-G. GRCh37 (hg19) VCF-style: chr15-89856150-C-G.
Other names: c.3388C>G, p.Leu1130Val (NM_001376910.1); c.3667C>G, p.Leu1223Val (NM_001376911.1); c.3487C>G, p.Leu1163Val (NM_018193.3); short protein forms L1130V, L1163V, L1223V.
Identifiers: ClinVar variation 2188314 (VCV002188314.1), dbSNP rs747098639, ClinGen allele CA7723830.

ClinVar aggregate classification (germline): Uncertain significance (1 of 4 stars; one submission).

Conditions:
Fanconi anemia (FA). Also called: Fanconi's anemia. Identifiers: Orphanet 84, MedGen C0015625, MeSH D005199, MONDO:0019391.

Allele frequency attached by ClinVar (database versions not stated): gnomAD 0.00001; ExAC 0.00002; gnomAD exomes 0.00002; TOPMed 0.00004.
gnomAD v4.1: 12 of 1,613,368 alleles (0.00074%); highest among the groups gnomAD compares: Non-Finnish European, 0.001%; no homozygotes.

Submission:

Labcorp Genetics (formerly Invitae), Labcorp
Classification: Uncertain significance for Fanconi anemia. Last evaluated: 2022-08-07. Review status: criteria provided, single submitter. Criteria: Invitae Variant Classification Sherloc (09022015). Collection method: clinical testing. Allele origin: germline.
Comment: This sequence change replaces leucine, which is neutral and non-polar, with valine, which is neutral and non-polar, at codon 1223 of the FANCI protein (p.Leu1223Val). This variant is present in population databases (rs747098639, gnomAD 0.002%). This variant has not been reported in the literature in individuals affected with FANCI-related conditions. Algorithms developed to predict the effect of missense changes on protein structure and function (SIFT, PolyPhen-2, Align-GVGD) all suggest that this variant is likely to be tolerated. In summary, the available evidence is currently insufficient to determine the role of this variant in disease. Therefore, it has been classified as a Variant of Uncertain Significance.